The following is an entry in ClinVar:

ClinVar aggregate classification (germline): Uncertain significance (1 of 4 stars; one submission).

Conditions:
Primary ciliary dyskinesia. Also called: Ciliary dyskinesia. Identifiers: Orphanet 244, MedGen C0008780, MONDO:0016575, HP:0012265.

Allele frequency attached by ClinVar (database versions not stated): gnomAD exomes below 0.00001.
gnomAD v4.1: 3 of 1,608,772 alleles (0.00019%); highest among the groups gnomAD compares: Non-Finnish European, 0.00025%; no homozygotes.

Submission:

Ambry Genetics
Classification: Uncertain significance for Primary ciliary dyskinesia. Last evaluated: 2016-07-12. Review status: criteria provided, single submitter. Criteria: Ambry Variant Classification Scheme 2023. Collection method: clinical testing. Allele origin: germline.
Comment: The p.N3062S variant (also known as c.9185A>G), located in coding exon 56 of the DNAH11 gene, results from an A to G substitution at nucleotide position 9185. The asparagine at codon 3062 is replaced by serine, an amino acid with highly similar properties. This variant was not reported in population based cohorts in the following databases: Database of Single Nucleotide Polymorphisms (dbSNP), NHLBI Exome Sequencing Project (ESP), and 1000 Genomes Project. In the ESP, this variant was not observed in 5952 samples (11904 alleles) with coverage at this position. This amino acid position is highly conserved in available vertebrate species. In addition, this alteration is predicted to be tolerated by in silico analysis. Since supporting evidence is limited at this time, the clinical significance of this variant remains unclear.

NM_001277115.2(DNAH11):c.9185A>G (p.Asn3062Ser)

Gene: DNAH11 (dynein axonemal heavy chain 11; plus strand). Cytogenetic location: 7p15.3.
Variant type: single nucleotide variant.
Coding change: c.9185A>G on transcript NM_001277115.2 (MANE Select); coding-DNA position 9185, A replaced by G.
Protein change: p.Asn3062Ser; replaces asparagine 3062 with serine.
Molecular consequence: missense variant.
Genome position (GRCh38, 1-based): chr7:21,773,848, A>G. VCF-style: chr7-21773848-A-G. GRCh37 (hg19) VCF-style: chr7-21813466-A-G.
Other names: c.9206A>G, p.Asn3069Ser (NM_003777.3); short protein forms N3069S, N3062S.
Identifiers: ClinVar variation 1766092 (VCV001766092.2), dbSNP rs2535217810, ClinGen allele CA366936514.